The following is an entry in ClinVar:

NM_002839.4(PTPRD):c.4275T>C (p.Tyr1425=)

Gene: PTPRD (protein tyrosine phosphatase receptor type D; minus strand). Cytogenetic location: 9p24.1.
Variant type: single nucleotide variant.
Coding change: c.4275T>C on transcript NM_002839.4 (MANE Select); coding-DNA position 4275, T replaced by C.
Protein change: p.Tyr1425=; no amino-acid change (tyrosine 1425 retained).
Molecular consequence: synonymous variant.
Genome position (GRCh38, 1-based): chr9:8,389,343, A>G on the plus strand (T>C on the coding strand, the complement: PTPRD is on the minus strand). VCF-style: chr9-8389343-A-G. GRCh37 (hg19) VCF-style: chr9-8389343-A-G.
Other names: c.3045T>C, p.Tyr1015= (NM_001040712.2); c.3054T>C, p.Tyr1018= (NM_001171025.2, NM_130391.4); c.3066T>C, p.Tyr1022= (NM_001377946.1); c.3036T>C, p.Tyr1012= (NM_001377947.1); c.4335T>C, p.Tyr1445= (NM_001377958.1); c.4290T>C, p.Tyr1430= (NM_001378058.1); c.3057T>C, p.Tyr1019= (NM_130392.3); c.3027T>C, p.Tyr1009= (NM_130393.3).
Identifiers: ClinVar variation 784509 (VCV000784509.7), dbSNP rs75966719, ClinGen allele CA4983416.
Genomic context (GRCh38, chr9:8,389,343, plus strand): 5'-TTCCCATATCATTCTCCAAAAGTCCCCAAATGTTTCGGGGAGAGATCCCTGTGTTGCAAT[A>G]TAGGCATTTTGCTTCCTATACCCATCTATGTAGTTGGCATTCACATAGTCACTTCCTGGG-3'
Protein context (NP_002830.1, residues 1415-1435): YIDGYRKQNA[Tyr1425=]IATQGSLPET

ClinVar aggregate classification (germline): Benign. Review status: criteria provided, multiple submitters, no conflicts (2 of 4 stars). 3 submissions from 3 submitters: Benign (2). 1 of the submissions does not count toward it. Last evaluated 2019-12-31.

Conditions:
PTPRD-related disorder. Also called: PTPRD-related condition.

Allele frequency attached by ClinVar (database versions not stated): 1000 Genomes Project 30x 0.01296; ExAC 0.00459; TOPMed 0.01650; ESP Exome Variant Server 0.01753; gnomAD exomes 0.00140 and 0.00376; gnomAD 0.01428 and 0.01525; 1000 Genomes Project 0.01318.
gnomAD v4.1: 4,300 of 1,613,128 alleles (0.27%); highest among the groups gnomAD compares: African/African-American, 5%; 109 homozygotes.

Submissions (3):

Labcorp Genetics (formerly Invitae), Labcorp
Classification: Benign. Last evaluated: 2019-12-31. Review status: criteria provided, single submitter. Criteria: Invitae Variant Classification Sherloc (09022015). Collection method: clinical testing. Allele origin: germline.

Breakthrough Genomics
Classification: Benign. Review status: criteria provided, single submitter. Criteria: ACMG Guidelines, 2015. Collection method: not provided. Allele origin: germline. Inheritance: Unknown mechanism. Affected: yes.

PreventionGenetics, part of Exact Sciences
Classification: Benign for PTPRD-related condition. Last evaluated: 2019-03-28. Review status: no assertion criteria provided. Collection method: clinical testing. Allele origin: germline. Not counted in ClinVar's aggregate classification.
Comment: This variant is classified as benign based on ACMG/AMP sequence variant interpretation guidelines (Richards et al. 2015 PMID: 25741868, with internal and published modifications).